The following is an entry in ClinVar:

ClinVar aggregate classification (germline): Uncertain significance. Review status: criteria provided, multiple submitters, no conflicts (2 of 4 stars). 2 submissions from 2 submitters: Uncertain significance (2). Last evaluated 2024-07-09.

Allele frequency attached by ClinVar (database versions not stated): ExAC 0.00003; gnomAD 0.00005; TOPMed 0.00005; ESP Exome Variant Server 0.00008.
gnomAD v4.1: 128 of 1,612,816 alleles (0.0079%); highest among the groups gnomAD compares: Non-Finnish European, 0.0098%; no homozygotes.

Submissions (3):

Labcorp Genetics (formerly Invitae), Labcorp
Classification: Uncertain significance. Last evaluated: 2024-07-09. Review status: criteria provided, single submitter. Criteria: Invitae Variant Classification Sherloc (09022015). Collection method: clinical testing. Allele origin: germline.
Comment: This sequence change replaces methionine, which is neutral and non-polar, with valine, which is neutral and non-polar, at codon 318 of the SLC12A6 protein (p.Met318Val). This variant is present in population databases (rs139990908, gnomAD 0.007%). This variant has not been reported in the literature in individuals affected with SLC12A6-related conditions. ClinVar contains an entry for this variant (Variation ID: 2202106). Advanced modeling of protein sequence and biophysical properties (such as structural, functional, and spatial information, amino acid conservation, physicochemical variation, residue mobility, and thermodynamic stability) performed at Invitae indicates that this missense variant is expected to disrupt SLC12A6 protein function with a positive predictive value of 80%. Algorithms developed to predict the effect of sequence changes on RNA splicing suggest that this variant may create or strengthen a splice site. In summary, the available evidence is currently insufficient to determine the role of this variant in disease. Therefore, it has been classified as a Variant of Uncertain Significance.

GeneDx
Classification: Uncertain significance. Last evaluated: 2024-06-10. Review status: criteria provided, single submitter. Criteria: GeneDx Variant Classification Process June 2021. Collection method: clinical testing. Allele origin: germline. Affected: yes.
Comment: In silico analysis supports that this missense variant has a deleterious effect on protein structure/function; In silico analysis supports a deleterious effect on splicing; Has not been previously published as pathogenic or benign to our knowledge

Dr. Peter K. Rogan Lab, Western University
No classification provided (evidence only). Condition: Familial cancer of breast. Review status: no classification provided. Collection method: in vitro. Allele origin: not applicable. Functional consequence: retained intron. Not counted in ClinVar's aggregate classification.

NM_001365088.1(SLC12A6):c.952A>G (p.Met318Val)

Gene: SLC12A6 (solute carrier family 12 member 6; minus strand). Cytogenetic location: 15q14.
Variant type: single nucleotide variant.
Coding change: c.952A>G on transcript NM_001365088.1 (MANE Select); coding-DNA position 952, A replaced by G.
Protein change: p.Met318Val; replaces methionine 318 with valine.
Molecular consequence: missense variant.
Genome position (GRCh38, 1-based): chr15:34,254,514, T>C on the plus strand (A>G on the coding strand, the complement: SLC12A6 is on the minus strand). VCF-style: chr15-34254514-T-C. GRCh37 (hg19) VCF-style: chr15-34546715-T-C.
Other names: c.775A>G, p.Met259Val (NM_001042494.2, NM_001042495.2); c.925A>G, p.Met309Val (NM_001042496.2); c.907A>G, p.Met303Val (NM_001042497.2); c.799A>G, p.Met267Val (NM_005135.2); c.952A>G, p.Met318Val (NM_133647.2); short protein forms M303V, M267V, M259V, M309V, M318V.
Identifiers: ClinVar variation 2202106 (VCV002202106.4), dbSNP rs139990908, ClinGen allele CA7464436.